The following is an entry in ClinVar:

NM_212550.5(BLOC1S3):c.259C>T (p.Arg87Trp)

Gene: BLOC1S3 (biogenesis of lysosomal organelles complex 1 subunit 3; plus strand). Cytogenetic location: 19q13.32.
Variant type: single nucleotide variant.
Coding change: c.259C>T on transcript NM_212550.5 (MANE Select); coding-DNA position 259, C replaced by T.
Protein change: p.Arg87Trp; replaces arginine 87 with tryptophan.
Molecular consequence: missense variant.
Genome position (GRCh38, 1-based): chr19:45,179,555, C>T. VCF-style: chr19-45179555-C-T. GRCh37 (hg19) VCF-style: chr19-45682813-C-T.
Other names: short protein forms R87W.
Identifiers: ClinVar variation 1489410 (VCV001489410.6), dbSNP rs1362153689, ClinGen allele CA406344450.

ClinVar aggregate classification (germline): Uncertain significance (1 of 4 stars; one submission).

Allele frequency attached by ClinVar (database versions not stated): TOPMed 0.00001; gnomAD 0.00002.

Submission:

Labcorp Genetics (formerly Invitae), Labcorp
Classification: Uncertain significance. Last evaluated: 2024-08-19. Review status: criteria provided, single submitter. Criteria: Invitae Variant Classification Sherloc (09022015). Collection method: clinical testing. Allele origin: germline.
Comment: This sequence change replaces arginine, which is basic and polar, with tryptophan, which is neutral and slightly polar, at codon 87 of the BLOC1S3 protein (p.Arg87Trp). The frequency data for this variant in the population databases is considered unreliable, as metrics indicate poor data quality at this position in the gnomAD database. This variant has not been reported in the literature in individuals affected with BLOC1S3-related conditions. ClinVar contains an entry for this variant (Variation ID: 1489410). An algorithm developed to predict the effect of missense changes on protein structure and function (PolyPhen-2) suggests that this variant is likely to be disruptive. In summary, the available evidence is currently insufficient to determine the role of this variant in disease. Therefore, it has been classified as a Variant of Uncertain Significance.